The following is an entry in ClinVar:

ClinVar aggregate classification (germline): Uncertain significance. Review status: criteria provided, multiple submitters, no conflicts (2 of 4 stars). 4 submissions from 4 submitters: Uncertain significance (4). Last evaluated 2024-11-22.

Conditions:
Sessile serrated polyposis cancer syndrome (SSPCS). Identifiers: Orphanet 157798, MedGen C4310714, MONDO:0014919, OMIM 617108.

Allele frequency attached by ClinVar (database versions not stated): gnomAD exomes 0.00001 and 0.00002; ExAC 0.00003; gnomAD 0.00003; TOPMed 0.00006.
gnomAD v4.1: 23 of 1,602,036 alleles (0.0014%); highest among the groups gnomAD compares: East Asian, 0.011%; no homozygotes.

Submissions (4):

Ambry Genetics
Classification: Uncertain significance. Last evaluated: 2024-11-22. Review status: criteria provided, single submitter. Criteria: Ambry Variant Classification Scheme 2023. Collection method: clinical testing. Allele origin: germline.
Comment: The p.G566D variant (also known as c.1697G>A), located in coding exon 8 of the RNF43 gene, results from a G to A substitution at nucleotide position 1697. The glycine at codon 566 is replaced by aspartic acid, an amino acid with similar properties. This amino acid position is conserved. In addition, this alteration is predicted to be tolerated by in silico analysis. Based on the available evidence, the clinical significance of this variant remains unclear.

Labcorp Genetics (formerly Invitae), Labcorp
Classification: Uncertain significance. Last evaluated: 2024-05-31. Review status: criteria provided, single submitter. Criteria: Invitae Variant Classification Sherloc (09022015). Collection method: clinical testing. Allele origin: germline.
Comment: This sequence change replaces glycine, which is neutral and non-polar, with aspartic acid, which is acidic and polar, at codon 566 of the RNF43 protein (p.Gly566Asp). The frequency data for this variant in the population databases is considered unreliable, as metrics indicate poor data quality at this position in the gnomAD database. This variant has not been reported in the literature in individuals affected with RNF43-related conditions. ClinVar contains an entry for this variant (Variation ID: 1014006). An algorithm developed to predict the effect of missense changes on protein structure and function (PolyPhen-2) suggests that this variant is likely to be disruptive. In summary, the available evidence is currently insufficient to determine the role of this variant in disease. Therefore, it has been classified as a Variant of Uncertain Significance.

GeneDx
Classification: Uncertain significance. Last evaluated: 2024-03-15. Review status: criteria provided, single submitter. Criteria: GeneDx Variant Classification Process June 2021. Collection method: clinical testing. Allele origin: germline. Affected: yes.
Comment: In silico analysis supports that this missense variant does not alter protein structure/function; Has not been previously published as pathogenic or benign to our knowledge; Variants in candidate genes are classified as variants of uncertain significance in accordance with ACMG guidelines (PMID: 25741868)

Baylor Genetics
Classification: Uncertain significance for Sessile serrated polyposis cancer syndrome. Last evaluated: 2023-11-05. Review status: criteria provided, single submitter. Criteria: ACMG Guidelines, 2015. Collection method: clinical testing. Allele origin: unknown.

NM_017763.6(RNF43):c.1697G>A (p.Gly566Asp)

Gene: RNF43 (ring finger protein 43; minus strand). Cytogenetic location: 17q22.
Variant type: single nucleotide variant.
Coding change: c.1697G>A on transcript NM_017763.6 (MANE Select); coding-DNA position 1697, G replaced by A.
Protein change: p.Gly566Asp; replaces glycine 566 with aspartic acid.
Molecular consequence: missense variant.
Genome position (GRCh38, 1-based): chr17:58,358,079, C>T on the plus strand (G>A on the coding strand, the complement: RNF43 is on the minus strand). VCF-style: chr17-58358079-C-T. GRCh37 (hg19) VCF-style: chr17-56435440-C-T.
Other names: c.1697G>A, p.Gly566Asp (NM_001305544.3); c.1316G>A, p.Gly439Asp (NM_001305545.2); c.1697G>A (NM_017763.4); short protein forms G439D, G566D.
Identifiers: ClinVar variation 1014006 (VCV001014006.11), dbSNP rs754444325, ClinGen allele CA8673131.